The following is an entry in ClinVar:

NM_020964.3(EPG5):c.280G>C (p.Glu94Gln)

Gene: EPG5 (ectopic P-granules 5 autophagy tethering factor; minus strand). Cytogenetic location: 18q21.1.
Variant type: single nucleotide variant.
Coding change: c.280G>C on transcript NM_020964.3 (MANE Select); coding-DNA position 280, G replaced by C.
Protein change: p.Glu94Gln; replaces glutamic acid 94 with glutamine.
Molecular consequence: missense variant.
Genome position (GRCh38, 1-based): chr18:45,955,122, C>G on the plus strand (G>C on the coding strand, the complement: EPG5 is on the minus strand). VCF-style: chr18-45955122-C-G. GRCh37 (hg19) VCF-style: chr18-43535088-C-G.
Other names: short protein forms E94Q.
Identifiers: ClinVar variation 1396476 (VCV001396476.7), dbSNP rs2143792761, ClinGen allele CA402352065.

ClinVar aggregate classification (germline): Uncertain significance (1 of 4 stars; one submission).

Conditions:
Vici syndrome (VICIS). Identifiers: Orphanet 1493, MedGen C1855772, MONDO:0009452, OMIM 242840.

Allele frequency attached by ClinVar (database versions not stated): gnomAD exomes below 0.00001.
gnomAD v4.1: 1 of 1,614,024 alleles (0.000062%); highest among the groups gnomAD compares: South Asian, 0.0011%; no homozygotes.

Submission:

Labcorp Genetics (formerly Invitae), Labcorp
Classification: Uncertain significance for Vici syndrome. Last evaluated: 2021-12-06. Review status: criteria provided, single submitter. Criteria: Invitae Variant Classification Sherloc (09022015). Collection method: clinical testing. Allele origin: germline.
Comment: This sequence change replaces glutamic acid, which is acidic and polar, with glutamine, which is neutral and polar, at codon 94 of the EPG5 protein (p.Glu94Gln). This variant is not present in population databases (gnomAD no frequency). This variant has not been reported in the literature in individuals affected with EPG5-related conditions. Algorithms developed to predict the effect of missense changes on protein structure and function (SIFT, PolyPhen-2, Align-GVGD) all suggest that this variant is likely to be tolerated. In summary, the available evidence is currently insufficient to determine the role of this variant in disease. Therefore, it has been classified as a Variant of Uncertain Significance.